The following is an entry in ClinVar:

ClinVar aggregate classification (germline): Likely benign (0 of 4 stars; one submission).

Conditions:
PLXNA4-related disorder. Also called: PLXNA4-related condition.

Allele frequency attached by ClinVar (database versions not stated): gnomAD exomes 0.00002; ExAC 0.00003; ESP Exome Variant Server 0.00015; gnomAD 0.00017; TOPMed 0.00017; 1000 Genomes Project 30x 0.00031; 1000 Genomes Project 0.00040.
gnomAD v4.1: 65 of 1,614,234 alleles (0.004%); highest among the groups gnomAD compares: African/African-American, 0.069%; no homozygotes.

Submission:

PreventionGenetics, part of Exact Sciences
Classification: Likely benign for PLXNA4-related condition. Last evaluated: 2021-12-23. Review status: no assertion criteria provided. Collection method: clinical testing. Allele origin: germline.
Comment: This variant is classified as likely benign based on ACMG/AMP sequence variant interpretation guidelines (Richards et al. 2015 PMID: 25741868, with internal and published modifications).

NM_020911.2(PLXNA4):c.1008C>T (p.Phe336=)

Gene: PLXNA4 (plexin A4; minus strand). Cytogenetic location: 7q32.3.
Variant type: single nucleotide variant.
Coding change: c.1008C>T on transcript NM_020911.2 (MANE Select); coding-DNA position 1008, C replaced by T.
Protein change: p.Phe336=; no amino-acid change (phenylalanine 336 retained).
Molecular consequence: synonymous variant.
Genome position (GRCh38, 1-based): chr7:132,507,686, G>A on the plus strand (C>T on the coding strand, the complement: PLXNA4 is on the minus strand). VCF-style: chr7-132507686-G-A. GRCh37 (hg19) VCF-style: chr7-132192445-G-A.
Other names: c.1008C>T, p.Phe336= (NM_001105543.2, NM_001393897.1, NM_181775.4).
Identifiers: ClinVar variation 3051188 (VCV003051188.2), dbSNP rs147937167, ClinGen allele CA4490398.